The following is an entry in ClinVar:

ClinVar aggregate classification (germline): Uncertain significance (1 of 4 stars; one submission).

Conditions:
Infantile-onset generalized dyskinesia with orofacial involvement. Also called: Dyskinesia, limb and orofacial, infantile-onset. Identifiers: Orphanet 494526, MedGen C5567464, MONDO:0044637, OMIM 616921.

gnomAD v4.1: 1 of 1,612,460 alleles (0.000062%); highest among the groups gnomAD compares: Non-Finnish European, 0.000085%; no homozygotes.

Submission:

Victorian Clinical Genetics Services, Murdoch Childrens Research Institute
Classification: Uncertain significance for Infantile-onset generalized dyskinesia with orofacial involvement. Last evaluated: 2023-07-16. Review status: criteria provided, single submitter. Criteria: ACMG Guidelines, 2015. Collection method: clinical testing. Allele origin: germline. Inheritance: Autosomal recessive inheritance. Affected: yes.
Comment: Based on the classification scheme VCGS_Germline_v1.3.4, this variant is classified as VUS-3B. Following criteria are met: 0103 - Loss of function is a known mechanism of diseaese and is associated with autosomal recessive dyskinesia, limb and orofacial, infantile-onset (MIM#616921; PMID: 27058446), while dominant negative has been suggested as the mechanism of autosomal dominant striatal degeneration (MIM#616922; PMID: 27058447). (I) 0108 - This gene is associated with both recessive and dominant disease (OMIM). (I) 0200 - Variant is predicted to result in a missense amino acid change from arginine to tryptophan. (I) 0251 - This variant is heterozygous. (I) 0301 - Variant is absent from gnomAD (both v2 and v3). (SP) 0501 - Missense variant consistently predicted to be damaging by multiple in silico tools or highly conserved with a major amino acid change. (SP) 0604 - Variant is not located in an established domain, motif, hotspot or informative constraint region. (I) 0705 - No comparable missense variants have previous evidence for pathogenicity. (I) 0807 - This variant has no previous evidence of pathogenicity. (I) 0905 - No published segregation evidence has been identified for this variant. (I) 1007 - No published functional evidence has been identified for this variant. (I) 1208 - Inheritance information for this variant is not currently available in this individual. (I) Legend: (SP) - Supporting pathogenic, (I) - Information, (SB) - Supporting benign

Literature cited by the submitters: PubMed 27058446; PubMed 27058447.

NM_001385079.1(PDE10A):c.2113C>T (p.Arg705Trp)

Gene: PDE10A (phosphodiesterase 10A; minus strand). Cytogenetic location: 6q27.
Variant type: single nucleotide variant.
Coding change: c.2113C>T on transcript NM_001385079.1 (MANE Select); coding-DNA position 2113, C replaced by T.
Protein change: p.Arg705Trp; replaces arginine 705 with tryptophan.
Molecular consequence: missense variant.
Genome position (GRCh38, 1-based): chr6:165,396,423, G>A on the plus strand (C>T on the coding strand, the complement: PDE10A is on the minus strand). VCF-style: chr6-165396423-G-A. GRCh37 (hg19) VCF-style: chr6-165809912-G-A.
Other names: c.1315C>T, p.Arg439Trp (NM_001130690.3); c.1285C>T, p.Arg429Trp (NM_006661.4); short protein forms R429W, R439W, R705W.
Identifiers: ClinVar variation 3376773 (VCV003376773.1).